The following is an entry in ClinVar:

ClinVar aggregate classification (germline): Pathogenic. Review status: criteria provided, multiple submitters, no conflicts (2 of 4 stars). 2 submissions from 2 submitters: Pathogenic (2). Last evaluated 2020-04-14.

Conditions:
Duchenne muscular dystrophy (DMD). Also called: MUSCULAR DYSTROPHY, PSEUDOHYPERTROPHIC PROGRESSIVE, DUCHENNE TYPE; Duchenne Muscular Dystrophy (DMD). Identifiers: Orphanet 98896, MedGen C0013264, MONDO:0010679, OMIM 310200.

Submissions (2):

Labcorp Genetics (formerly Invitae), Labcorp
Classification: Pathogenic for Duchenne muscular dystrophy. Last evaluated: 2020-04-14. Review status: criteria provided, single submitter. Criteria: Invitae Variant Classification Sherloc (09022015). Collection method: clinical testing. Allele origin: germline.
Comment: For these reasons, this variant has been classified as Pathogenic. Loss-of-function variants in DMD are known to be pathogenic (PMID: 16770791, 25007885). This variant has not been reported in the literature in individuals with DMD-related conditions. ClinVar contains an entry for this variant (Variation ID: 501567). This variant is not present in population databases (ExAC no frequency). This sequence change creates a premature translational stop signal (p.Lys711Argfs*18) in the DMD gene. It is expected to result in an absent or disrupted protein product.

Eurofins Ntd Llc (ga)
Classification: Pathogenic. Last evaluated: 2017-05-02. Review status: criteria provided, single submitter. Criteria: EGL Classification Definitions 2015. Collection method: clinical testing. Allele origin: germline. Observed: 3 variant alleles, 3 hemizygotes.

Literature cited by the submitters: PubMed 16770791 (cited by Labcorp Genetics (formerly Invitae), Labcorp); PubMed 25007885 (cited by Labcorp Genetics (formerly Invitae), Labcorp).

NM_004006.3(DMD):c.2132del (p.Lys711fs)

Gene: DMD (dystrophin; minus strand). Cytogenetic location: Xp21.1.
Variant type: Deletion.
Coding change: c.2132del on transcript NM_004006.3 (MANE Select); coding-DNA position 2132, one base deleted (A; older notation c.2132delA).
Protein change: p.Lys711fs; shifts the reading frame from lysine 711.
Molecular consequence: frameshift variant.
Genome position (GRCh38, 1-based): chrX:32,545,195, T deleted on the plus strand (A on the coding strand, the reverse complement: DMD is on the minus strand); the first of 2 consecutive T bases (chrX:32,545,195-32,545,196); deleting either gives the same sequence. VCF-style (leftmost placement, unchanged base first): chrX-32545194-CT-C. GRCh37 (hg19) VCF-style: chrX-32563311-CT-C.
Other names: c.2108del, p.Lys703fs (NM_000109.4); c.2120del, p.Lys707fs (NM_004009.3); c.1763del, p.Lys588fs (NM_004010.3); short protein forms K707fs, K588fs, K703fs, K711fs.
Identifiers: ClinVar variation 501567 (VCV000501567.12), dbSNP rs1556780579, ClinGen allele CA658799667.